The following is an entry in ClinVar:

ClinVar aggregate classification (germline): Conflicting classifications of pathogenicity. Review status: criteria provided, conflicting classifications (1 of 4 stars). 2 submissions from 2 submitters: Likely pathogenic (1); Uncertain significance (1). Last evaluated 2026-01-26.

Conditions:
Spondyloepiphyseal dysplasia. Also called: Spondylo-epi-(meta)-physeal dysplasia. Identifiers: Orphanet 253, MedGen C0038015, MONDO:0016761, HP:0002655.

Submissions (2):

Labcorp Genetics (formerly Invitae), Labcorp
Classification: Uncertain significance. Last evaluated: 2026-01-26. Review status: criteria provided, single submitter. Criteria: Invitae Variant Classification Sherloc (09022015). Collection method: clinical testing. Allele origin: germline.
Comment: This variant, c.3469_3486dup, results in the insertion of 6 amino acid(s) of the COL2A1 protein (p.Ala1157_Pro1162dup), but otherwise preserves the integrity of the reading frame. This variant is not present in population databases (gnomAD no frequency). This variant has been observed in individual(s) with COL2A1-related dysplasia (PMID: 22791362). Experimental studies and prediction algorithms are not available or were not evaluated, and the functional significance of this variant is currently unknown. In summary, the available evidence is currently insufficient to determine the role of this variant in disease. Therefore, it has been classified as a Variant of Uncertain Significance.

Synevo Romania
Classification: Likely pathogenic for Spondyloepiphyseal dysplasia. Last evaluated: 2025-08-28. Review status: criteria provided, single submitter. Criteria: ACMG Guidelines, 2015. Collection method: clinical testing. Allele origin: unknown. Inheritance: Autosomal dominant inheritance. Observed: 1 variant allele, 1 heterozygote.
Comment: The COL2A1:c.3469_3486dup variant has a predicted consequence of an inframe insertion of 6 aminoacid residues in exon 49 of the COL2A1 gene. This alteration is predicted functionally disruptive to the helical structure. The variant is virtually absent from the general population (gnomAD v4.1.1 AC=0, region covered>20x).The same predicted aa duplication was reported in a patient with a phenotype resembling SEDC (PMID: 25604898). Based on this evidence, the variant was classified class 4, Likely Pathogenic, based on updated ACMG guidelines. Criteria applied: PM2_Supporting, PS4_Supporting, PM4, PM1, PS2_Supporting

Literature cited by the submitters: PubMed 22791362 (cited by Labcorp Genetics (formerly Invitae), Labcorp); PubMed 25604898 (cited by Synevo Romania).

NM_001844.5(COL2A1):c.3469_3486dup (p.Pro1162_Arg1163insAlaGlyProSerGlyPro)

Gene: COL2A1 (collagen type II alpha 1 chain; minus strand). Cytogenetic location: 12q13.11.
Variant type: Duplication.
Coding change: c.3469_3486dup on transcript NM_001844.5 (MANE Select); coding-DNA positions 3469 to 3486, 18 bases duplicated (GCTGGTCCTTCTGGCCCT).
Protein change: p.Pro1162_Arg1163insAlaGlyProSerGlyPro.
Molecular consequence: inframe insertion.
Genome position (GRCh38, 1-based): chr12:47,976,517-47,976,534, AGGGCCAGAAGGACCAGC duplicated on the plus strand (GCTGGTCCTTCTGGCCCT on the coding strand, the reverse complement: COL2A1 is on the minus strand); duplicating any 18 consecutive bases within chr12:47,976,517-47,976,537 gives the same sequence; the c. name uses the placement nearest the transcript's 3' end. VCF-style (leftmost placement, unchanged base first): chr12-47976516-T-TAGGGCCAGAAGGACCAGC. GRCh37 (hg19) VCF-style: chr12-48370299-T-TAGGGCCAGAAGGACCAGC.
Other names: c.3262_3279dup, p.Pro1093_Arg1094insAlaGlyProSerGlyPro (NM_033150.3).
Identifiers: ClinVar variation 4709938 (VCV004709938.2).